The following is an entry in ClinVar:

ClinVar aggregate classification (germline): Uncertain significance. Review status: criteria provided, multiple submitters, no conflicts (2 of 4 stars). 5 submissions from 5 submitters: Uncertain significance (4). 1 of the submissions does not count toward it. Last evaluated 2025-08-18.

Conditions:
Hereditary cancer-predisposing syndrome. Also called: Hereditary Cancer Syndrome; Neoplastic Syndromes, Hereditary; Tumor predisposition; Hereditary neoplastic syndrome. Identifiers: Orphanet 140162, MedGen C0027672, MeSH D009386, MONDO:0015356.
Bloom syndrome (BLM). Also called: Bloom-Torre-Machacek syndrome. Identifiers: Orphanet 125, MedGen C0005859, MONDO:0008876, OMIM 210900.

Allele frequency attached by ClinVar (database versions not stated): gnomAD exomes below 0.00001.
gnomAD v4.1: 6 of 1,614,034 alleles (0.00037%); highest among the groups gnomAD compares: Non-Finnish European, 0.00051%; no homozygotes.

Submissions (5):

Labcorp Genetics (formerly Invitae), Labcorp
Classification: Uncertain significance for Bloom syndrome. Last evaluated: 2025-08-18. Review status: criteria provided, single submitter. Criteria: Invitae Variant Classification Sherloc (09022015). Collection method: clinical testing. Allele origin: germline.
Comment: This sequence change replaces threonine, which is neutral and polar, with isoleucine, which is neutral and non-polar, at codon 528 of the BLM protein (p.Thr528Ile). This variant is not present in population databases (gnomAD no frequency). This variant has not been reported in the literature in individuals affected with BLM-related conditions. ClinVar contains an entry for this variant (Variation ID: 819598). Invitae Evidence Modeling of protein sequence and biophysical properties (such as structural, functional, and spatial information, amino acid conservation, physicochemical variation, residue mobility, and thermodynamic stability) indicates that this missense variant is not expected to disrupt BLM protein function with a negative predictive value of 80%. In summary, the available evidence is currently insufficient to determine the role of this variant in disease. Therefore, it has been classified as a Variant of Uncertain Significance.

Ambry Genetics
Classification: Uncertain significance for Hereditary cancer-predisposing syndrome. Last evaluated: 2025-05-09. Review status: criteria provided, single submitter. Criteria: Ambry Variant Classification Scheme 2023. Collection method: clinical testing. Allele origin: germline.
Comment: The p.T528I variant (also known as c.1583C>T), located in coding exon 6 of the BLM gene, results from a C to T substitution at nucleotide position 1583. The threonine at codon 528 is replaced by isoleucine, an amino acid with similar properties. This amino acid position is highly conserved in available vertebrate species. In addition, the in silico prediction for this alteration is inconclusive. Since supporting evidence is limited at this time, the clinical significance of this alteration remains unclear.

Quest Diagnostics Nichols Institute San Juan Capistrano
Classification: Uncertain significance. Last evaluated: 2024-11-26. Review status: criteria provided, single submitter. Criteria: Quest Diagnostics criteria. Collection method: clinical testing. Allele origin: unknown.
Comment: The BLM c.1583C>T (p.Thr528Ile) variant has not been reported in individuals with BLM-related conditions in the published literature. It also has not been reported in large, multi-ethnic general populations (Genome Aggregation Database). Analysis of this variant using bioinformatics tools for the prediction of the effect of amino acid changes on protein structure and function yielded conflicting predictions that this variant is benign or damaging. Based on the available information, we are unable to determine the clinical significance of this variant.

GeneDx
Classification: Uncertain significance. Last evaluated: 2024-08-06. Review status: criteria provided, single submitter. Criteria: GeneDx Variant Classification Process June 2021. Collection method: clinical testing. Allele origin: germline.
Comment: Not observed at significant frequency in large population cohorts (gnomAD); In silico analysis supports that this missense variant has a deleterious effect on protein structure/function; Has not been previously published as pathogenic or benign to our knowledge

Natera, Inc.
Classification: Uncertain significance for Bloom syndrome. Last evaluated: 2019-02-06. Review status: no assertion criteria provided. Collection method: clinical testing. Allele origin: germline. Not counted in ClinVar's aggregate classification.

NM_000057.4(BLM):c.1583C>T (p.Thr528Ile)

Gene: BLM (BLM RecQ like helicase; plus strand). Cytogenetic location: 15q26.1.
Variant type: single nucleotide variant.
Coding change: c.1583C>T on transcript NM_000057.4 (MANE Select); coding-DNA position 1583, C replaced by T.
Protein change: p.Thr528Ile; replaces threonine 528 with isoleucine.
Molecular consequence: missense variant.
Genome position (GRCh38, 1-based): chr15:90,760,956, C>T. VCF-style: chr15-90760956-C-T. GRCh37 (hg19) VCF-style: chr15-91304186-C-T.
Other names: c.1583C>T, p.Thr528Ile (NM_001287246.2, NM_001287247.2); c.458C>T, p.Thr153Ile (NM_001287248.2); short protein forms T528I, T153I.
Identifiers: ClinVar variation 819598 (VCV000819598.20), dbSNP rs1596230185, ClinGen allele CA393843379.